The following is an entry in ClinVar:

ClinVar aggregate classification (germline): Uncertain significance (1 of 4 stars; one submission).

Conditions:
Norman-Roberts syndrome (LIS2). Also called: Lissencephaly 2 (Norman-Roberts type). Identifiers: Orphanet 89844, MedGen C0796089, MONDO:0009760, OMIM 257320.
Familial temporal lobe epilepsy 7. Identifiers: Orphanet 101046, MedGen C4225327, MONDO:0014639, OMIM 616436.

Submission:

Labcorp Genetics (formerly Invitae), Labcorp
Classification: Uncertain significance for Familial temporal lobe epilepsy 7; Norman-Roberts syndrome. Last evaluated: 2025-09-03. Review status: criteria provided, single submitter. Criteria: Invitae Variant Classification Sherloc (09022015). Collection method: clinical testing. Allele origin: germline.
Comment: This sequence change replaces glycine, which is neutral and non-polar, with valine, which is neutral and non-polar, at codon 1933 of the RELN protein (p.Gly1933Val). This variant is not present in population databases (gnomAD no frequency). This variant has not been reported in the literature in individuals affected with RELN-related conditions. ClinVar contains an entry for this variant (Variation ID: 969482). An algorithm developed to predict the effect of missense changes on protein structure and function (PolyPhen-2) suggests that this variant is likely to be disruptive. Algorithms developed to predict the effect of sequence changes on RNA splicing suggest that this variant may disrupt the consensus splice site. In summary, the available evidence is currently insufficient to determine the role of this variant in disease. Therefore, it has been classified as a Variant of Uncertain Significance.

NM_005045.4(RELN):c.5798G>T (p.Gly1933Val)

Gene: RELN (reelin; minus strand). Cytogenetic location: 7q22.1.
Variant type: single nucleotide variant.
Coding change: c.5798G>T on transcript NM_005045.4 (MANE Select); coding-DNA position 5798, G replaced by T.
Protein change: p.Gly1933Val; replaces glycine 1933 with valine.
Molecular consequence: missense variant.
Genome position (GRCh38, 1-based): chr7:103,553,831, C>A on the plus strand (G>T on the coding strand, the complement: RELN is on the minus strand). VCF-style: chr7-103553831-C-A. GRCh37 (hg19) VCF-style: chr7-103194278-C-A.
Other names: c.5798G>T, p.Gly1933Val (NM_173054.3); short protein forms G1933V.
Identifiers: ClinVar variation 969482 (VCV000969482.9), dbSNP rs1830467765, ClinGen allele CA368740498.